The following is an entry in ClinVar:

NM_001110556.2(FLNA):c.1366G>A (p.Val456Met)

Gene: FLNA (filamin A; minus strand). Cytogenetic location: Xq28.
Variant type: single nucleotide variant.
Coding change: c.1366G>A on transcript NM_001110556.2 (MANE Select); coding-DNA position 1366, G replaced by A.
Protein change: p.Val456Met; replaces valine 456 with methionine.
Molecular consequence: missense variant.
Genome position (GRCh38, 1-based): chrX:154,366,087, C>T on the plus strand (G>A on the coding strand, the complement: FLNA is on the minus strand). VCF-style: chrX-154366087-C-T. GRCh37 (hg19) VCF-style: chrX-153594455-C-T.
Other names: p.V456M:GTG>ATG; c.1366G>A, p.Val456Met (NM_001456.4); short protein forms V456M.
Identifiers: ClinVar variation 213519 (VCV000213519.15), dbSNP rs782495199, ClinGen allele CA320844.
Genomic context (GRCh38, chrX:154,366,087, plus strand): 5'-GGCCAACAGTGACAGTGTAGGGGCTGCGAGGGATGGGCACGCCGGCAAACGTGACGTGCA[C>T]GGTGTGGACGCCCTCCATGGTGGGCTGGTAGCTGCAGCGGTATGTGCTGTCGCCCCGGGC-3'
Protein context (NP_001104026.1, residues 446-466): YQPTMEGVHT[Val456Met]HVTFAGVPIP

ClinVar aggregate classification (germline): Conflicting classifications of pathogenicity. Review status: criteria provided, conflicting classifications (1 of 4 stars). 4 submissions from 4 submitters: Uncertain significance (3); Likely benign (1). Last evaluated 2024-06-29.

Conditions:
Oto-palato-digital syndrome, type II (OPD2). Also called: Otopalatodigital Syndrome, Type II; FACIOPALATOOSSEOUS SYNDROME; OPD II SYNDROME; Otopalatodigital Syndrome Type 2 (FLNA-OPD2). Identifiers: Orphanet 669, Orphanet 90652, MedGen C1844696, MONDO:0010571, OMIM 304120.
Frontometaphyseal dysplasia (FMD1). Identifiers: Orphanet 1826, MedGen C0265293, MONDO:0015942.
Heterotopia, periventricular, X-linked dominant (PVNH1). Also called: PERIVENTRICULAR NODULAR HETEROTOPIA 1; X-linked periventricular heterotopia; PERIVENTRICULAR NODULAR HETEROTOPIA 4; HETEROTOPIA, PERIVENTRICULAR, 1. Identifiers: Orphanet 2149, Orphanet 82004, MedGen C1848213, MONDO:0010233, OMIM 300049.
Melnick-Needles syndrome (MNS). Also called: MELNICK-NEEDLES OSTEODYSPLASTY; OSTEODYSPLASTY OF MELNICK AND NEEDLES; Melnick-Needles Syndrome (FLNA-MNS). Identifiers: Orphanet 2484, MedGen C0025237, MONDO:0010650, OMIM 309350.
Familial thoracic aortic aneurysm and aortic dissection (TAAD). Also called: Thoracic aortic aneurysms and dissections. Identifiers: Orphanet 91387, MedGen C4707243, MONDO:0019625.

Allele frequency attached by ClinVar (database versions not stated): ExAC 0.00005.
gnomAD v4.1: 14 of 1,209,028 alleles (0.0012%); highest among the groups gnomAD compares: South Asian, 0.0035%; no homozygotes.

Submissions (4):

Labcorp Genetics (formerly Invitae), Labcorp
Classification: Likely benign for Oto-palato-digital syndrome, type II; Heterotopia, periventricular, X-linked dominant; Frontometaphyseal dysplasia; Melnick-Needles syndrome. Last evaluated: 2024-06-29. Review status: criteria provided, single submitter. Criteria: Invitae Variant Classification Sherloc (09022015). Collection method: clinical testing. Allele origin: germline.

Ambry Genetics
Classification: Uncertain significance for Familial thoracic aortic aneurysm and aortic dissection. Last evaluated: 2022-09-06. Review status: criteria provided, single submitter. Criteria: Ambry Variant Classification Scheme 2023. Collection method: clinical testing. Allele origin: germline.
Comment: The p.V456M variant (also known as c.1366G>A), located in coding exon 8 of the FLNA gene, results from a G to A substitution at nucleotide position 1366. The valine at codon 456 is replaced by methionine, an amino acid with highly similar properties. Based on data from gnomAD, the A allele has an overall frequency of 0.003% (5/179238) total alleles studied, with 3 hemizygote(s) observed. The highest observed frequency was 0.005% (1/19037) of South Asian alleles. This amino acid position is not well conserved in available vertebrate species. In addition, the in silico prediction for this alteration is inconclusive. Since supporting evidence is limited at this time, the clinical significance of this alteration remains unclear.

Institute of Human Genetics, University of Leipzig Medical Center
Classification: Uncertain significance for Melnick-Needles syndrome. Last evaluated: 2017-10-12. Review status: criteria provided, single submitter. Criteria: ACMG Guidelines, 2015. Collection method: clinical testing. Allele origin: germline. Affected: yes. Observed: 1 variant allele.

GeneDx
Classification: Uncertain significance. Last evaluated: 2017-09-14. Review status: criteria provided, single submitter. Criteria: GeneDx Variant Classification (06012015). Collection method: clinical testing. Allele origin: germline. Affected: yes.
Comment: The V456M variant has not been published as a mutation, nor has it been reported as a benign polymorphism to our knowledge. The V456M variant was not observed in approximately 6,400 individuals of European and African American ancestry in the NHLBI Exome Sequencing Project, indicating it is not a common benign variant in these populations. Across evolution, this substitution occurs at a position that is occupied by amino acids with properties similar to Valine. Additionally, in silico analysis predicts this variant is probably damaging to the protein structure/function. However, the V456M variant is a conservative amino acid substitution, which is not likely to impact secondary protein structure as these residues share similar properties. Moreover, no missense mutations in nearby residues have been reported, indicating that this region of the protein may be tolerant of change. Therefore, based on the currently available information, it is unclear whether this variant is a pathogenic mutation or a rare benign variant. This variant was found in TAADV2-PANCARD